The following is an entry in ClinVar:

ClinVar aggregate classification (germline): Likely benign (1 of 4 stars; one submission).

Allele frequency attached by ClinVar (database versions not stated): ExAC 0.00001; gnomAD exomes 0.00001; TOPMed 0.00001.
gnomAD v4.1: 7 of 1,613,946 alleles (0.00043%); highest among the groups gnomAD compares: Non-Finnish European, 0.00059%; no homozygotes.

Submission:

CeGaT Center for Human Genetics Tuebingen
Classification: Likely benign. Last evaluated: 2023-10-01. Review status: criteria provided, single submitter. Criteria: CeGaT Center For Human Genetics Tuebingen Variant Classification Criteria Version 2. Collection method: clinical testing. Allele origin: germline. Affected: yes. Observed: 1 variant allele.
Comment: ELMO2: BP4, BP7

NM_133171.5(ELMO2):c.672C>G (p.Leu224=)

Gene: ELMO2 (engulfment and cell motility 2; minus strand). Cytogenetic location: 20q13.12.
Variant type: single nucleotide variant.
Coding change: c.672C>G on transcript NM_133171.5 (MANE Select); coding-DNA position 672, C replaced by G.
Protein change: p.Leu224=; no amino-acid change (leucine 224 retained).
Molecular consequence: synonymous variant.
Genome position (GRCh38, 1-based): chr20:46,386,129, G>C on the plus strand (C>G on the coding strand, the complement: ELMO2 is on the minus strand). VCF-style: chr20-46386129-G-C. GRCh37 (hg19) VCF-style: chr20-45014768-G-C.
Other names: c.408C>G, p.Leu136= (NM_001318253.2); c.672C>G, p.Leu224= (NM_182764.3).
Identifiers: ClinVar variation 2652369 (VCV002652369.24), dbSNP rs748994437, ClinGen allele CA9890287.
Genomic context (GRCh38, chr20:46,386,129, plus strand): 5'-AGGAGAAAAGAGGACAGACAAGTGAAGGGAGGGAGGTGTAGGGTTTTTTACTCACACCTG[G>C]AGGTGTGAGATGAGCTGTCCCACGGTGATTTCCTCGGCTATCTTCTGGTACAGACTCTGG-3'
Protein context (NP_573403.1, residues 214-234): EITVGQLISH[Leu224=]QVSNQEIQTY